The following is an entry in ClinVar:

ClinVar aggregate classification (germline): Pathogenic. Review status: criteria provided, multiple submitters, no conflicts (2 of 4 stars). 3 submissions from 3 submitters: Pathogenic (3). Last evaluated 2025-11-19.

Conditions:
Vitelliform macular dystrophy 5. Identifiers: Orphanet 99000, MedGen C4015343, MONDO:0014509, OMIM 616152.
IMPG2-related disorders.

Submissions (3):

Labcorp Genetics (formerly Invitae), Labcorp
Classification: Pathogenic. Last evaluated: 2025-11-19. Review status: criteria provided, single submitter. Criteria: Invitae Variant Classification Sherloc (09022015). Collection method: clinical testing. Allele origin: germline.
Comment: This sequence change creates a premature translational stop signal (p.Val553Glyfs*3) in the IMPG2 gene. It is expected to result in an absent or disrupted protein product. Loss-of-function variants in IMPG2 are known to be pathogenic (PMID: 20673862). This variant is not present in population databases (gnomAD no frequency). This variant has not been reported in the literature in individuals affected with IMPG2-related conditions. ClinVar contains an entry for this variant (Variation ID: 959814). For these reasons, this variant has been classified as Pathogenic.

Blueprint Genetics
Classification: Pathogenic for IMPG2-related disorders. Last evaluated: 2023-09-20. Review status: criteria provided, single submitter. Criteria: ACMG Guidelines, 2015. Collection method: clinical testing. Allele origin: germline. Affected: yes. Observed: 1 variant allele.

DBGen Ocular Genomics
Classification: Pathogenic for Vitelliform macular dystrophy 5. Last evaluated: 2021-06-16. Review status: criteria provided, single submitter. Criteria: ACMG Guidelines, 2015. Collection method: clinical testing. Allele origin: germline. Affected: yes. Observed: 1 variant allele.

Literature cited by the submitters: PubMed 20673862 (cited by Labcorp Genetics (formerly Invitae), Labcorp).

NM_016247.4(IMPG2):c.1658del (p.Val553fs)

Gene: IMPG2 (interphotoreceptor matrix proteoglycan 2; minus strand). Cytogenetic location: 3q12.3.
Variant type: Deletion.
Coding change: c.1658del on transcript NM_016247.4 (MANE Select); coding-DNA position 1658, one base deleted (T; older notation c.1658delT).
Protein change: p.Val553fs; shifts the reading frame from valine 553.
Molecular consequence: frameshift variant.
Genome position (GRCh38, 1-based): chr3:101,244,673, A deleted on the plus strand (T on the coding strand, the reverse complement: IMPG2 is on the minus strand). VCF-style (leftmost placement, unchanged base first): chr3-101244672-CA-C. GRCh37 (hg19) VCF-style: chr3-100963516-CA-C.
Other names: short protein forms V553fs.
Identifiers: ClinVar variation 959814 (VCV000959814.10), dbSNP rs1706456124, ClinGen allele CA1139658209.